The following is an entry in ClinVar:

ClinVar aggregate classification (germline): Conflicting classifications of pathogenicity. Review status: criteria provided, conflicting classifications (1 of 4 stars). 4 submissions from 4 submitters: Likely pathogenic (2); Uncertain significance (2). Last evaluated 2025-12-01.

Conditions:
BBS10-related disorder. Also called: BBS10-related condition.
Bardet-Biedl syndrome 10 (BBS10). Identifiers: Orphanet 110, MedGen C1859568, MONDO:0014438, OMIM 615987.

Allele frequency attached by ClinVar (database versions not stated): gnomAD exomes below 0.00001 and 0.00001; TOPMed 0.00001; gnomAD 0.00002.
gnomAD v4.1: 23 of 1,614,012 alleles (0.0014%); highest among the groups gnomAD compares: Non-Finnish European, 0.0019%; no homozygotes.

Submissions (4):

PreventionGenetics, part of Exact Sciences
Classification: Uncertain significance for BBS10-related condition. Last evaluated: 2025-12-01. Review status: criteria provided, single submitter. Criteria: ACMG Guidelines, 2015. Collection method: clinical testing. Allele origin: germline.
Comment: The BBS10 c.1230T>G variant is predicted to result in the amino acid substitution p.His410Gln. This variant has been reported in the compound heterozygous state in two siblings with Bardet-Biedl syndrome (Case 79 & 80, Table 1, Billingsley et al. 2010. PubMed ID: 20472660). This variant is reported in 0.00077% of alleles in individuals of European (Non-Finnish) descent in gnomAD. At this time, the clinical significance of this variant is uncertain due to the absence of conclusive functional and genetic evidence.

Natera, Inc.
Classification: Likely pathogenic for Bardet-Biedl syndrome type 10. Last evaluated: 2025-05-09. Review status: criteria provided, single submitter. Criteria: Natera Variant Classification Schema (03/2026). Collection method: clinical testing. Allele origin: germline.
Comment: The c.1230T>G variant in BBS10 is a missense variant predicted to cause substitution of histidine to glutamine at amino acid 410. This variant is rare in the general population with a frequency below the threshold expected for the associated phenotype(s). This variant has been observed in one or more individuals affected with the associated recessive disease, as either homozygous or compound heterozygous with a second variant (PMID: 20472660, 35764379). This variant has been observed to segregate in affected family members (PMID: 20472660). Computational prediction algorithms indicate this variant is likely to affect gene or protein function. Given the available evidence, this variant is classified as Likely Pathogenic.

Myriad Genetics, Inc.
Classification: Uncertain significance for Bardet-Biedl syndrome 10. Last evaluated: 2021-11-08. Review status: criteria provided, single submitter. Criteria: Myriad Women's Health Autosomal Recessive and X-Linked Classification Criteria (2021). Collection method: clinical testing. Allele origin: unknown.
Comment: NM_024685.3(BBS10):c.1230T>G(H410Q) is a missense variant classified as a variant of uncertain significance in the context of Bardet-Biedl syndrome, BBS10-related. H410Q has been observed in cases with relevant disease (PMID: 20472660). Functional assessments of this variant are not available in the literature. H410Q has been observed in population frequency databases (gnomAD: OTH 0.02%). In summary, there is insufficient evidence to classify NM_024685.3(BBS10):c.1230T>G(H410Q) as pathogenic or benign. Please note: this variant was assessed in the context of healthy population screening.

Blueprint Genetics
Classification: Likely pathogenic for BBS10-related disorders. Last evaluated: 2021-10-12. Review status: criteria provided, single submitter. Criteria: ACMG Guidelines, 2015. Collection method: clinical testing. Allele origin: germline. Affected: yes. Observed: 2 variant alleles.

Literature cited by the submitters: PubMed 20472660 (cited by Natera, Inc. and Myriad Genetics, Inc.); PubMed 35764379 (cited by Natera, Inc.).

NM_024685.4(BBS10):c.1230T>G (p.His410Gln)

Gene: BBS10 (Bardet-Biedl syndrome 10; minus strand). Cytogenetic location: 12q21.2.
Variant type: single nucleotide variant.
Coding change: c.1230T>G on transcript NM_024685.4 (MANE Select); coding-DNA position 1230, T replaced by G.
Protein change: p.His410Gln; replaces histidine 410 with glutamine.
Molecular consequence: missense variant.
Genome position (GRCh38, 1-based): chr12:76,346,755, A>C on the plus strand (T>G on the coding strand, the complement: BBS10 is on the minus strand). VCF-style: chr12-76346755-A-C. GRCh37 (hg19) VCF-style: chr12-76740535-A-C.
Other names: c.1230T>G (NM_024685.3); short protein forms H410Q.
Identifiers: ClinVar variation 1334155 (VCV001334155.6), dbSNP rs1447555059, ClinGen allele CA385812132.